The following is an entry in ClinVar:

NM_005477.3(HCN4):c.3358C>T (p.Pro1120Ser)

Gene: HCN4 (hyperpolarization activated cyclic nucleotide gated potassium channel 4; minus strand). Cytogenetic location: 15q24.1.
Variant type: single nucleotide variant.
Coding change: c.3358C>T on transcript NM_005477.3 (MANE Select); coding-DNA position 3358, C replaced by T.
Protein change: p.Pro1120Ser; replaces proline 1120 with serine.
Molecular consequence: missense variant.
Genome position (GRCh38, 1-based): chr15:73,322,735, G>A on the plus strand (C>T on the coding strand, the complement: HCN4 is on the minus strand). VCF-style: chr15-73322735-G-A. GRCh37 (hg19) VCF-style: chr15-73615076-G-A.
Other names: short protein forms P1120S.
Identifiers: ClinVar variation 4802395 (VCV004802395.1).
Genomic context (GRCh38, chr15:73,322,735, plus strand): 5'-TCCCAGGGGGACCGAGGCCCCCGCTGCTCCCACTGCCCCCGCTGCCACCCCCAGCCCTGG[G>A]GAAGAGCGGGAAGGCAGCCATGGACTCCCCTGAGGAGTGCGGGGAGGCTCTGCGGAGAGT-3'
Protein context (NP_005468.1, residues 1110-1130): GESMAAFPLF[Pro1120Ser]RAGGGSGGSG

ClinVar aggregate classification (germline): Uncertain significance (1 of 4 stars; one submission).

Conditions:
Brugada syndrome 8 (BRGDA8). Identifiers: Orphanet 130, MedGen C2751083, MONDO:0013148, OMIM 613123.

gnomAD v4.1: 1 of 1,562,364 alleles (0.000064%); highest among the groups gnomAD compares: Non-Finnish European, 0.000087%; no homozygotes.

Submission:

Labcorp Genetics (formerly Invitae), Labcorp
Classification: Uncertain significance for Brugada syndrome 8. Last evaluated: 2025-04-28. Review status: criteria provided, single submitter. Criteria: Invitae Variant Classification Sherloc (09022015). Collection method: clinical testing. Allele origin: germline.
Comment: This sequence change replaces proline, which is neutral and non-polar, with serine, which is neutral and polar, at codon 1120 of the HCN4 protein (p.Pro1120Ser). This variant is not present in population databases (gnomAD no frequency). This variant has not been reported in the literature in individuals affected with HCN4-related conditions. Invitae Evidence Modeling of protein sequence and biophysical properties (such as structural, functional, and spatial information, amino acid conservation, physicochemical variation, residue mobility, and thermodynamic stability) indicates that this missense variant is not expected to disrupt HCN4 protein function with a negative predictive value of 95%. In summary, the available evidence is currently insufficient to determine the role of this variant in disease. Therefore, it has been classified as a Variant of Uncertain Significance.